The following is an entry in ClinVar:

ClinVar aggregate classification (germline): Uncertain significance. Review status: criteria provided, single submitter (1 of 4 stars). 2 submissions from 2 submitters: Uncertain significance (1). 1 of the submissions does not count toward it. Last evaluated 2021-08-26.

Conditions:
Pyknodysostosis. Also called: Pycnodysostosis. Identifiers: Orphanet 763, MedGen C0238402, MONDO:0009940, OMIM 265800.

Allele frequency attached by ClinVar (database versions not stated): gnomAD exomes below 0.00001; TOPMed below 0.00001.
gnomAD v4.1: 1 of 1,614,128 alleles (0.000062%); no homozygotes.

Submissions (2):

Labcorp Genetics (formerly Invitae), Labcorp
Classification: Uncertain significance. Last evaluated: 2021-08-26. Review status: criteria provided, single submitter. Criteria: Invitae Variant Classification Sherloc (09022015). Collection method: clinical testing. Allele origin: germline.
Comment: This sequence change replaces valine with alanine at codon 168 of the CTSK protein (p.Val168Ala). The valine residue is highly conserved and there is a small physicochemical difference between valine and alanine. This variant is not present in population databases (ExAC no frequency). This variant has not been reported in the literature in individuals affected with CTSK-related conditions. Algorithms developed to predict the effect of missense changes on protein structure and function (SIFT, PolyPhen-2, Align-GVGD) all suggest that this variant is likely to be disruptive. In summary, the available evidence is currently insufficient to determine the role of this variant in disease. Therefore, it has been classified as a Variant of Uncertain Significance.

Natera, Inc.
Classification: Uncertain significance for Pyknodysostosis. Last evaluated: 2020-03-11. Review status: no assertion criteria provided. Collection method: clinical testing. Allele origin: germline. Not counted in ClinVar's aggregate classification.

NM_000396.4(CTSK):c.503T>C (p.Val168Ala)

Gene: CTSK (cathepsin K; minus strand). Cytogenetic location: 1q21.3.
Variant type: single nucleotide variant.
Coding change: c.503T>C on transcript NM_000396.4 (MANE Select); coding-DNA position 503, T replaced by C.
Protein change: p.Val168Ala; replaces valine 168 with alanine.
Molecular consequence: missense variant.
Genome position (GRCh38, 1-based): chr1:150,804,136, A>G on the plus strand (T>C on the coding strand, the complement: CTSK is on the minus strand). VCF-style: chr1-150804136-A-G. GRCh37 (hg19) VCF-style: chr1-150776612-A-G.
Other names: short protein forms V168A.
Identifiers: ClinVar variation 664665 (VCV000664665.4), dbSNP rs1309902734, ClinGen allele CA342336577.